The following is an entry in ClinVar:

ClinVar aggregate classification (germline): Benign. Review status: criteria provided, multiple submitters, no conflicts (2 of 4 stars). 2 submissions from 2 submitters: Benign (2). Last evaluated 2019-10-16.

Allele frequency attached by ClinVar (database versions not stated): TOPMed 0.48618; gnomAD 0.49751 and 0.49770; 1000 Genomes Project 30x 0.50515; 1000 Genomes Project 0.50819.

Submissions (2):

GeneDx
Classification: Benign. Last evaluated: 2019-10-16. Review status: criteria provided, single submitter. Criteria: GeneDx Variant Classification Process June 2021. Collection method: clinical testing. Allele origin: germline. Affected: yes.
Comment: This variant is associated with the following publications: (PMID: 30528300)

Breakthrough Genomics
Classification: Benign. Review status: criteria provided, single submitter. Criteria: ACMG Guidelines, 2015. Collection method: not provided. Allele origin: germline. Inheritance: Autosomal recessive inheritance. Affected: yes.

NM_005908.4(MANBA):c.1318-968G>A

Gene: MANBA (mannosidase beta; minus strand). Cytogenetic location: 4q24.
Variant type: single nucleotide variant.
Coding change: c.1318-968G>A on transcript NM_005908.4 (MANE Select); 968 bases into the intron before coding-DNA position 1318, G replaced by A.
Molecular consequence: intron variant.
Genome position (GRCh38, 1-based): chr4:102,665,820, C>T on the plus strand (G>A on the coding strand, the complement: MANBA is on the minus strand). VCF-style: chr4-102665820-C-T. GRCh37 (hg19) VCF-style: chr4-103586977-C-T.
Identifiers: ClinVar variation 1233282 (VCV001233282.4), dbSNP rs227361, ClinGen allele CA11730986.